The following is an entry in ClinVar:

ClinVar aggregate classification (germline): Likely benign (1 of 4 stars; one submission).

gnomAD v4.1: 74 of 1,613,306 alleles (0.0046%); highest among the groups gnomAD compares: Admixed American, 0.017%; no homozygotes.

Submission:

CeGaT Center for Human Genetics Tuebingen
Classification: Likely benign. Last evaluated: 2026-06-01. Review status: criteria provided, single submitter. Criteria: CeGaT Center For Human Genetics Tuebingen Variant Classification Criteria Version 2. Collection method: clinical testing. Allele origin: germline. Affected: yes. Observed: 3 variant alleles.
Comment: HERC2: BP4, BP7

NM_004667.6(HERC2):c.12822C>T (p.Gly4274=)

Gene: HERC2 (HECT and RLD domain containing E3 ubiquitin protein ligase 2; minus strand). Cytogenetic location: 15q13.1.
Variant type: single nucleotide variant.
Coding change: c.12822C>T on transcript NM_004667.6 (MANE Select); coding-DNA position 12822, C replaced by T.
Protein change: p.Gly4274=; no amino-acid change (glycine 4274 retained).
Molecular consequence: synonymous variant.
Genome position (GRCh38, 1-based): chr15:28,125,174, G>A on the plus strand (C>T on the coding strand, the complement: HERC2 is on the minus strand). VCF-style: chr15-28125174-G-A. GRCh37 (hg19) VCF-style: chr15-28370320-G-A.
Identifiers: ClinVar variation 3388939 (VCV003388939.14).